The following is an entry in ClinVar:

NM_000426.4(LAMA2):c.7882G>T (p.Val2628Leu)

Gene: LAMA2 (laminin subunit alpha 2; plus strand). Cytogenetic location: 6q22.33.
Variant type: single nucleotide variant.
Coding change: c.7882G>T on transcript NM_000426.4 (MANE Select); coding-DNA position 7882, G replaced by T.
Protein change: p.Val2628Leu; replaces valine 2628 with leucine.
Molecular consequence: missense variant.
Genome position (GRCh38, 1-based): chr6:129,486,606, G>T. VCF-style: chr6-129486606-G-T. GRCh37 (hg19) VCF-style: chr6-129807751-G-T.
Other names: c.7870G>T, p.Val2624Leu (NM_001079823.2); short protein forms V2624L, V2628L.
Identifiers: ClinVar variation 1369831 (VCV001369831.8), dbSNP rs1784598792, ClinGen allele CA365629510.

ClinVar aggregate classification (germline): Uncertain significance (1 of 4 stars; one submission).

Conditions:
LAMA2-related muscular dystrophy (LAMA2-RD). Also called: Laminin alpha 2-related dystrophy. Identifiers: MedGen C5679788, MONDO:0100228.

Allele frequency attached by ClinVar (database versions not stated): gnomAD exomes below 0.00001.
gnomAD v4.1: 1 of 1,613,902 alleles (0.000062%); highest among the groups gnomAD compares: Non-Finnish European, 0.000085%; no homozygotes.

Submission:

Labcorp Genetics (formerly Invitae), Labcorp
Classification: Uncertain significance for LAMA2-related muscular dystrophy. Last evaluated: 2024-02-23. Review status: criteria provided, single submitter. Criteria: Invitae Variant Classification Sherloc (09022015). Collection method: clinical testing. Allele origin: germline.
Comment: This sequence change replaces valine, which is neutral and non-polar, with leucine, which is neutral and non-polar, at codon 2628 of the LAMA2 protein (p.Val2628Leu). This variant is not present in population databases (gnomAD no frequency). This variant has not been reported in the literature in individuals affected with LAMA2-related conditions. ClinVar contains an entry for this variant (Variation ID: 1369831). Advanced modeling of protein sequence and biophysical properties (such as structural, functional, and spatial information, amino acid conservation, physicochemical variation, residue mobility, and thermodynamic stability) performed at Invitae indicates that this missense variant is not expected to disrupt LAMA2 protein function with a negative predictive value of 95%. In summary, the available evidence is currently insufficient to determine the role of this variant in disease. Therefore, it has been classified as a Variant of Uncertain Significance.